The following is an entry in ClinVar:

NM_006231.4(POLE):c.1191C>G (p.Tyr397Ter)

Gene: POLE (DNA polymerase epsilon, catalytic subunit; minus strand). Cytogenetic location: 12q24.33.
Variant type: single nucleotide variant.
Coding change: c.1191C>G on transcript NM_006231.4 (MANE Select); coding-DNA position 1191, C replaced by G.
Protein change: p.Tyr397Ter; replaces tyrosine 397 with a stop codon.
Molecular consequence: nonsense.
Genome position (GRCh38, 1-based): chr12:132,675,433, G>C on the plus strand (C>G on the coding strand, the complement: POLE is on the minus strand). VCF-style: chr12-132675433-G-C. GRCh37 (hg19) VCF-style: chr12-133252019-G-C.
Other names: short protein forms Y397*.
Identifiers: ClinVar variation 545996 (VCV000545996.17), dbSNP rs1208085896, ClinGen allele CA387360824.

ClinVar aggregate classification (germline): Conflicting classifications of pathogenicity. Review status: criteria provided, conflicting classifications (1 of 4 stars). 5 submissions from 5 submitters: Pathogenic (1); Likely pathogenic (1); Uncertain significance (3). Last evaluated 2026-01-21.

Conditions:
Hereditary cancer-predisposing syndrome. Also called: Hereditary Cancer Syndrome; Neoplastic Syndromes, Hereditary; Hereditary neoplastic syndrome; Tumor predisposition. Identifiers: Orphanet 140162, MedGen C0027672, MeSH D009386, MONDO:0015356.
Intrauterine growth retardation, metaphyseal dysplasia, adrenal hypoplasia congenita, genital anomalies, and immunodeficiency. Also called: IMAGEI SYNDROME. Identifiers: MedGen C5193036, MONDO:0032684, OMIM 618336.
Facial dysmorphism-immunodeficiency-livedo-short stature syndrome. Also called: FILS syndrome; Facial dysmorphism, immunodeficiency, livedo, and short stature. Identifiers: Orphanet 352712, MedGen C3554576, MONDO:0014058, OMIM 615139.

Allele frequency attached by ClinVar (database versions not stated): TOPMed below 0.00001; gnomAD exomes 0.00001.
gnomAD v4.1: 1 of 1,614,152 alleles (0.000062%); highest among the groups gnomAD compares: East Asian, 0.0022%; no homozygotes.

Submissions (5):

Ambry Genetics
Classification: Uncertain significance for Hereditary cancer-predisposing syndrome. Last evaluated: 2026-01-21. Review status: criteria provided, single submitter. Criteria: Ambry Variant Classification Scheme 2023. Collection method: clinical testing. Allele origin: germline.
Comment: The p.Y397* variant (also known as c.1191C>G), located in coding exon 12 of the POLE gene, results from a C to G substitution at nucleotide position 1191. This changes the amino acid from a tyrosine to a stop codon within coding exon 12. This alteration is expected to result in loss of function by premature protein truncation or nonsense-mediated mRNA decay. Although biallelic loss of function of POLE has been associated with autosomal recessive POLE deficiency, haploinsufficiency of POLE has not been established as a mechanism of disease for POLE-related polymerase proofreading-associated polyposis (PPAP) and POLE-related CMMRD-like syndrome. Based on the supporting evidence, this variant is expected to be causative of POLE deficiency when present along with a second pathogenic variant on the other allele; however, its clinical significance for PPAP and POLE-related CMMRD-like syndrome is unclear.

Labcorp Genetics (formerly Invitae), Labcorp
Classification: Pathogenic. Last evaluated: 2024-09-10. Review status: criteria provided, single submitter. Criteria: Invitae Variant Classification Sherloc (09022015). Collection method: clinical testing. Allele origin: germline.
Comment: This sequence change creates a premature translational stop signal (p.Tyr397*) in the POLE gene. It is expected to result in an absent or disrupted protein product. Loss-of-function variants in POLE are known to be pathogenic (PMID: 23230001, 25948378, 30503519). This variant is present in population databases (no rsID available, gnomAD 0.006%). This variant has not been reported in the literature in individuals affected with POLE-related conditions. ClinVar contains an entry for this variant (Variation ID: 545996). For these reasons, this variant has been classified as Pathogenic.

Blueprint Genetics
Classification: Uncertain significance. Last evaluated: 2021-09-18. Review status: criteria provided, single submitter. Criteria: ACMG Guidelines, 2015. Collection method: clinical testing. Allele origin: germline.

GeneDx
Classification: Uncertain significance. Last evaluated: 2017-06-23. Review status: criteria provided, single submitter. Criteria: GeneDx Variant Classification (06012015). Collection method: clinical testing. Allele origin: germline. Affected: yes.
Comment: This variant is denoted POLE c.1191C>G at the cDNA level and p.Tyr397Ter (Y397X) at the protein level. The substitution creates a nonsense variant, which changes a Tyrosine to a premature stop codon (TAC>TAG). This variant has not, to our knowledge, been reported in the literature. While missense variants located within the exonuclease domain of the POLE gene have been recognized as an underlying cause of Polymerase Proofreading-Associated Polyposis (PPAP), an autosomal dominant condition associated with polyposis and an increased risk for colon cancer (Palles 2013, Spier 2015), there are no data to support that loss-of-function variants, such as this one, confer the same cancer risks. Based on current evidence, we consider this variant to be of uncertain significance with respect to cancer. A recessive disease associated with POLE has been reported in the literature. In one large consanguineous family, 14 affected relatives with a syndrome called FILS (facial dysmorphism, immunodeficiency, livedo, and short stature) were all found to be homozygous for POLE c.4444+3A>G, a splice variant which results in a small proportion (~10%) of normal POLE transcript (Pachlopnik Schmid 2012). In addition, an unrelated individual with a suspected chromosome instability syndrome was also found to be homozygous for POLE c.4444+3A>G (Thiffault 2015). We cannot assess whether the variant identified in the current patient would cause the same recessive disease. Individuals and family members of reproductive age may choose to consider assessment of potential reproductive risks.

Juno Genomics, Hangzhou Juno Genomics, Inc
Classification: Likely pathogenic for Facial dysmorphism-immunodeficiency-livedo-short stature syndrome; Intrauterine growth retardation, metaphyseal dysplasia, adrenal hypoplasia congenita, genital anomalies, and immunodeficiency. Review status: criteria provided, single submitter. Criteria: ACMG Guidelines, 2015. Collection method: clinical testing. Allele origin: germline.
Comment: Null variant in a gene where loss of function (LOF) is a known mechanism of disease.;Absent from controls (or at extremely low frequency if recessive) in Genome Aggregation Database.

Literature cited by the submitters: PubMed 23230001 (cited by Labcorp Genetics (formerly Invitae), Labcorp); PubMed 25948378 (cited by Labcorp Genetics (formerly Invitae), Labcorp); PubMed 30503519 (cited by Labcorp Genetics (formerly Invitae), Labcorp).